The following is an entry in ClinVar:

ClinVar aggregate classification (germline): Uncertain significance (1 of 4 stars; one submission).

Conditions:
Primary dilated cardiomyopathy (DCM). Also called: Dilated Cardiomyopathy. Identifiers: Orphanet 217604, MedGen C0007193, MeSH D002311, MONDO:0005021, HP:0001644. Inheritance: Various modes of inheritance.

Submission:

All of Us Research Program, National Institutes of Health
Classification: Uncertain significance for Primary dilated cardiomyopathy. Last evaluated: 2023-10-02. Review status: criteria provided, single submitter. Criteria: ACMG Guidelines, 2015. Collection method: clinical testing. Allele origin: germline. Inheritance: Autosomal dominant inheritance. Observed: 1 variant allele, 1 heterozygote.
Comment: This missense variant replaces alanine with serine at codon 16 of the LMNA protein. Computational prediction suggests that this variant may not impact protein structure and function (internally defined REVEL score threshold <= 0.5, PMID: 27666373). To our knowledge, functional studies have not been reported for this variant. This variant has not been reported in individuals affected with LMNA-related disorders in the literature. This variant has not been identified in the general population by the Genome Aggregation Database (gnomAD). The available evidence is insufficient to determine the role of this variant in disease conclusively. Therefore, this variant is classified as a Variant of Uncertain Significance.

This study involves interpretation of variants in research participants for the purpose of population health screening. Participant phenotype was not available at the time of variant classification. Additional details can be found in publication PMID: 35346344, PMCID: PMC8962531

NM_170707.4(LMNA):c.46G>T (p.Ala16Ser)

Genes: LMNA (lamin A/C; plus strand), LOC129931597 (ATAC-STARR-seq lymphoblastoid silent region 1421; plus strand). Cytogenetic location: 1q22.
Variant type: single nucleotide variant.
Coding change: c.46G>T on transcript NM_170707.4 (MANE Select); coding-DNA position 46, G replaced by T.
Protein change: p.Ala16Ser; replaces alanine 16 with serine.
Molecular consequence: missense variant. On other transcripts: 5 prime UTR variant (8), intron variant (2).
Genome position (GRCh38, 1-based): chr1:156,114,964, G>T. VCF-style: chr1-156114964-G-T. GRCh37 (hg19) VCF-style: chr1-156084755-G-T.
Other names: c.46G>T, p.Ala16Ser (NM_001282625.2, NM_001282626.2, NM_001406983.1 and 6 more transcripts); c.-378G>T (NM_001406986.1); c.-356G>T (NM_001406990.1, NM_001406995.1, NM_001407002.1); c.-619G>T (NM_001406994.1, NM_001407000.1); c.-799G>T (NM_001406999.1); c.-462G>T (NM_001407001.1); c.-203+8141G>T (NM_001406993.1, NM_001407003.1); short protein forms A16S.
Identifiers: ClinVar variation 3073604 (VCV003073604.1), dbSNP rs868507025, ClinGen allele CA30999057.